The following is an entry in ClinVar:

ClinVar aggregate classification (germline): Benign. Review status: criteria provided, multiple submitters, no conflicts (2 of 4 stars). 3 submissions from 3 submitters: Benign (2). 1 of the submissions does not count toward it. Last evaluated 2019-11-21.

Conditions:
SYN2-related disorder. Also called: SYN2-related condition.

Allele frequency attached by ClinVar (database versions not stated): 1000 Genomes Project 30x 0.68161; 1000 Genomes Project 0.68890; TOPMed 0.69030; gnomAD 0.69330 and 0.69679; ESP Exome Variant Server 0.70623; gnomAD exomes 0.74918 and 0.76232; ExAC 0.75970.
gnomAD v4.1: 1,155,253 of 1,552,224 alleles (74%); highest among the groups gnomAD compares: Admixed American, 82%; 432,406 homozygotes.

Submissions (3):

GeneDx
Classification: Benign. Last evaluated: 2019-11-21. Review status: criteria provided, single submitter. Criteria: GeneDx Variant Classification Process June 2021. Collection method: clinical testing. Allele origin: germline. Affected: yes.

Breakthrough Genomics
Classification: Benign. Review status: criteria provided, single submitter. Criteria: ACMG Guidelines, 2015. Collection method: not provided. Allele origin: germline. Inheritance: Autosomal dominant inheritance. Affected: yes.

PreventionGenetics, part of Exact Sciences
Classification: Benign for SYN2-related condition. Last evaluated: 2019-02-26. Review status: no assertion criteria provided. Collection method: clinical testing. Allele origin: germline. Not counted in ClinVar's aggregate classification.
Comment: This variant is classified as benign based on ACMG/AMP sequence variant interpretation guidelines (Richards et al. 2015 PMID: 25741868, with internal and published modifications).

NM_133625.6(SYN2):c.1516A>G (p.Thr506Ala)

Gene: SYN2 (synapsin II; plus strand). Cytogenetic location: 3p25.2.
Variant type: single nucleotide variant.
Coding change: c.1516A>G on transcript NM_133625.6 (MANE Select); coding-DNA position 1516, A replaced by G.
Protein change: p.Thr506Ala; replaces threonine 506 with alanine.
Molecular consequence: missense variant.
Genome position (GRCh38, 1-based): chr3:12,187,515, A>G. VCF-style: chr3-12187515-A-G. GRCh37 (hg19) VCF-style: chr3-12229015-A-G.
Other names: short protein forms T506A.
Identifiers: ClinVar variation 1298153 (VCV001298153.5), dbSNP rs794999, ClinGen allele CA2257944.
Genomic context (GRCh38, chr3:12,187,515, plus strand): 5'-TCCTCCTCTTCCTCCTCTTCTTCCTCCTCCTCGGCTCCTCAGCGGCCGGGCGGCCCCACC[A>G]CCCACGGAGATGCACCCTCCAGCAGCAGCTCCCTGGCAGAGGCCCAGCCACCCCTGGCTG-3'
Protein context (NP_598328.1, residues 496-516): SAPQRPGGPT[Thr506Ala]HGDAPSSSSS